The following is an entry in ClinVar:

ClinVar aggregate classification (germline): Uncertain significance (1 of 4 stars; one submission).

Submission:

Dasa
Classification: Uncertain significance. Last evaluated: 2025-04-09. Review status: criteria provided, single submitter. Criteria: DASA Assertion Criteria. Collection method: clinical testing. Allele origin: germline.
Comment: NM_004366.6(CLCN2):c.634G>T (p.Ala212Ser) is a missense variant that results in the substitution of alanine with serine. This variant is rare in population databases. Computational prediction algorithms are consistent with a deleterious effect. The currently available literature and clinical evidence are not sufficient to establish a definitive association between this variant and the reported condition. Therefore, this variant is classified as a variant of uncertain significance.

NM_004366.6(CLCN2):c.634G>T (p.Ala212Ser)

Gene: CLCN2 (chloride voltage-gated channel 2; minus strand). Cytogenetic location: 3q27.1.
Variant type: single nucleotide variant.
Coding change: c.634G>T on transcript NM_004366.6 (MANE Select); coding-DNA position 634, G replaced by T.
Protein change: p.Ala212Ser; replaces alanine 212 with serine.
Molecular consequence: missense variant.
Genome position (GRCh38, 1-based): chr3:184,357,838, C>A on the plus strand (G>T on the coding strand, the complement: CLCN2 is on the minus strand). VCF-style: chr3-184357838-C-A. GRCh37 (hg19) VCF-style: chr3-184075626-C-A.
Other names: c.634G>T, p.Ala212Ser (NM_001171087.3, NM_001171089.3); c.502G>T, p.Ala168Ser (NM_001171088.3); short protein forms A168S, A212S.
Identifiers: ClinVar variation 4885431 (VCV004885431.2).